The following is an entry in ClinVar:

NM_032229.3(SLITRK6):c.2188C>T (p.Leu730Phe)

Gene: SLITRK6 (SLIT and NTRK like family member 6; minus strand). Cytogenetic location: 13q31.1.
Variant type: single nucleotide variant.
Coding change: c.2188C>T on transcript NM_032229.3 (MANE Select); coding-DNA position 2188, C replaced by T.
Protein change: p.Leu730Phe; replaces leucine 730 with phenylalanine.
Molecular consequence: missense variant.
Genome position (GRCh38, 1-based): chr13:85,794,321, G>A on the plus strand (C>T on the coding strand, the complement: SLITRK6 is on the minus strand). VCF-style: chr13-85794321-G-A. GRCh37 (hg19) VCF-style: chr13-86368456-G-A.
Other names: short protein forms L730F.
Identifiers: ClinVar variation 1310607 (VCV001310607.8), dbSNP rs759486296, ClinGen allele CA7014946.

ClinVar aggregate classification (germline): Uncertain significance. Review status: criteria provided, multiple submitters, no conflicts (2 of 4 stars). 2 submissions from 2 submitters: Uncertain significance (2). Last evaluated 2023-05-05.

Allele frequency attached by ClinVar (database versions not stated): gnomAD 0.00001; gnomAD exomes 0.00001 and 0.00002; ExAC 0.00002; TOPMed 0.00002.

Submissions (2):

GeneDx
Classification: Uncertain significance. Last evaluated: 2023-05-05. Review status: criteria provided, single submitter. Criteria: GeneDx Variant Classification Process June 2021. Collection method: clinical testing. Allele origin: germline. Affected: yes.
Comment: In silico analysis, which includes protein predictors and evolutionary conservation, supports that this variant does not alter protein structure/function; Has not been previously published as pathogenic or benign to our knowledge

Labcorp Genetics (formerly Invitae), Labcorp
Classification: Uncertain significance. Last evaluated: 2022-07-06. Review status: criteria provided, single submitter. Criteria: Invitae Variant Classification Sherloc (09022015). Collection method: clinical testing. Allele origin: germline.
Comment: In summary, the available evidence is currently insufficient to determine the role of this variant in disease. Therefore, it has been classified as a Variant of Uncertain Significance. Algorithms developed to predict the effect of missense changes on protein structure and function are either unavailable or do not agree on the potential impact of this missense change (SIFT: "Deleterious"; PolyPhen-2: "Probably Damaging"; Align-GVGD: "Class C0"). ClinVar contains an entry for this variant (Variation ID: 1310607). This variant has not been reported in the literature in individuals affected with SLITRK6-related conditions. This variant is present in population databases (rs759486296, gnomAD 0.01%). This sequence change replaces leucine, which is neutral and non-polar, with phenylalanine, which is neutral and non-polar, at codon 730 of the SLITRK6 protein (p.Leu730Phe).